The following is an entry in ClinVar:

NM_001367624.2(ZNF469):c.2485G>C (p.Ala829Pro)

Gene: ZNF469 (zinc finger protein 469; plus strand). Cytogenetic location: 16q24.2.
Variant type: single nucleotide variant.
Coding change: c.2485G>C on transcript NM_001367624.2 (MANE Select); coding-DNA position 2485, G replaced by C.
Protein change: p.Ala829Pro; replaces alanine 829 with proline.
Molecular consequence: missense variant.
Genome position (GRCh38, 1-based): chr16:88,429,955, G>C. VCF-style: chr16-88429955-G-C. GRCh37 (hg19) VCF-style: chr16-88496363-G-C.
Other names: short protein forms A829P.
Identifiers: ClinVar variation 1713394 (VCV001713394.3), dbSNP rs748786439, ClinGen allele CA397072426.

ClinVar aggregate classification (germline): Uncertain significance (1 of 4 stars; one submission).

gnomAD v4.1: 1 of 1,550,324 alleles (0.000065%); highest among the groups gnomAD compares: Non-Finnish European, 0.000087%; no homozygotes.

Submission:

Labcorp Genetics (formerly Invitae), Labcorp
Classification: Uncertain significance. Last evaluated: 2022-08-21. Review status: criteria provided, single submitter. Criteria: Invitae Variant Classification Sherloc (09022015). Collection method: clinical testing. Allele origin: germline.
Comment: This sequence change replaces alanine, which is neutral and non-polar, with proline, which is neutral and non-polar, at codon 829 of the ZNF469 protein (p.Ala829Pro). This variant is not present in population databases (gnomAD no frequency). This variant has not been reported in the literature in individuals affected with ZNF469-related conditions. Algorithms developed to predict the effect of missense changes on protein structure and function are either unavailable or do not agree on the potential impact of this missense change (SIFT: "Deleterious"; PolyPhen-2: "Benign"; Align-GVGD: "Class C0"). In summary, the available evidence is currently insufficient to determine the role of this variant in disease. Therefore, it has been classified as a Variant of Uncertain Significance.